The following is an entry in ClinVar:

ClinVar aggregate classification (germline): Uncertain significance (1 of 4 stars; one submission).

Conditions:
Hereditary cancer-predisposing syndrome. Also called: Neoplastic Syndromes, Hereditary; Tumor predisposition; Hereditary Cancer Syndrome; Hereditary neoplastic syndrome. Identifiers: Orphanet 140162, MedGen C0027672, MeSH D009386, MONDO:0015356.

Submission:

Ambry Genetics
Classification: Uncertain significance for Hereditary cancer-predisposing syndrome. Last evaluated: 2024-08-20. Review status: criteria provided, single submitter. Criteria: Ambry Variant Classification Scheme 2023. Collection method: clinical testing. Allele origin: germline.
Comment: The p.R564L variant (also known as c.1691G>T), located in coding exon 13 of the APC gene, results from a G to T substitution at nucleotide position 1691. The arginine at codon 564 is replaced by leucine, an amino acid with dissimilar properties. This amino acid position is highly conserved in available vertebrate species. In addition, in silico predictors for this gene do not accurately predict pathogenicity. Missense alterations in APC are not a common cause of disease (Spier I et al. Genet Med. 2024 Feb;26(2):100992). Based on the available evidence, the clinical significance of this variant remains unclear.

NM_000038.6(APC):c.1691G>T (p.Arg564Leu)

Gene: APC (APC regulator of Wnt signaling pathway; plus strand). Cytogenetic location: 5q22.2.
Variant type: single nucleotide variant.
Coding change: c.1691G>T on transcript NM_000038.6 (MANE Select); coding-DNA position 1691, G replaced by T.
Protein change: p.Arg564Leu; replaces arginine 564 with leucine.
Molecular consequence: missense variant.
Genome position (GRCh38, 1-based): chr5:112,828,920, G>T. VCF-style: chr5-112828920-G-T. GRCh37 (hg19) VCF-style: chr5-112164617-G-T.
Other names: c.1691G>T, p.Arg564Leu (NM_001127510.3, NM_001354895.2, NM_001407450.1); c.1637G>T, p.Arg546Leu (NM_001127511.3); c.1745G>T, p.Arg582Leu (NM_001354896.2, NM_001407447.1, NM_001407448.1 and 1 more transcripts); c.1721G>T, p.Arg574Leu (NM_001354897.2); c.1616G>T, p.Arg539Leu (NM_001354898.2); c.1607G>T, p.Arg536Leu (NM_001354899.2); c.1568G>T, p.Arg523Leu (NM_001354900.2); c.1514G>T, p.Arg505Leu (NM_001354901.2, NM_001407453.1); and 11 more; short protein forms R281L, R592L, R180L, R536L, R554L, R557L, R438L, R463L.
Identifiers: ClinVar variation 3410042 (VCV003410042.1).